The following is an entry in ClinVar:

NM_006009.4(TUBA1A):c.725T>C (p.Leu242Pro)

Gene: TUBA1A (tubulin alpha 1a; minus strand). Cytogenetic location: 12q13.12.
Variant type: single nucleotide variant.
Coding change: c.725T>C on transcript NM_006009.4 (MANE Select); coding-DNA position 725, T replaced by C.
Protein change: p.Leu242Pro; replaces leucine 242 with proline.
Molecular consequence: missense variant.
Genome position (GRCh38, 1-based): chr12:49,185,641, A>G on the plus strand (T>C on the coding strand, the complement: TUBA1A is on the minus strand). VCF-style: chr12-49185641-A-G. GRCh37 (hg19) VCF-style: chr12-49579424-A-G.
Other names: p.Leu242Pro; c.725T>C, p.Leu242Pro (NM_001270399.2); c.620T>C, p.Leu207Pro (NM_001270400.2); c.725t>c (NM_006009.4); short protein forms L207P, L242P.
Identifiers: ClinVar variation 4056353 (VCV004056353.2).

ClinVar aggregate classification (germline): Uncertain significance. Review status: criteria provided, multiple submitters, no conflicts (2 of 4 stars). 2 submissions from 2 submitters: Uncertain significance (2). Last evaluated 2025-07-07.

Conditions:
Lissencephaly due to TUBA1A mutation (CDCBM16). Also called: Lissencephaly 3; CORTICAL DYSPLASIA, COMPLEX, WITH OTHER BRAIN MALFORMATIONS 16. Identifiers: Orphanet 171680, MedGen C4305153, MONDO:0012703, OMIM 611603.

Submissions (2):

Department of Molecular Genetics, Istishari Arab Hospital
Classification: Uncertain significance for Lissencephaly due to TUBA1A mutation. Last evaluated: 2025-07-07. Review status: criteria provided, single submitter. Criteria: ACMG Guidelines, 2015. Collection method: clinical testing. Allele origin: germline. Inheritance: Autosomal dominant inheritance. Affected: yes.
Comment: The TUBA1A variant c.725T>C creates an amino acid change from Leu to Pro at position 242. To the best of our knowledge, this variant was not previously reported in literature. It is classified as variant of uncertain significance according to the recommendations of ACMG/AMP/ClinGen SVI guidelines.

3billion
Classification: Uncertain significance for Lissencephaly due to TUBA1A mutation. Last evaluated: 2025-06-17. Review status: criteria provided, single submitter. Criteria: ACMG Guidelines, 2015. Collection method: clinical testing. Allele origin: germline. Affected: yes.
Comment: The variant is not observed in the gnomAD v4.1.0 dataset. Predicted Consequence/Location: Missense variant. Missense changes are a common disease-causing mechanism. In silico tool predictions suggest damaging effect of the variant on gene or gene product [REVEL: 0.89 (>=0.6, sensitivity 0.68 and specificity 0.92); 3Cnet: 1.00 (> 0.75, sensitivity 0.96 and precision 0.92)]. Therefore, this variant is classified as VUS according to the recommendation of ACMG/AMP guideline.